The following is an entry in ClinVar:

ClinVar aggregate classification (germline): Likely benign (0 of 4 stars; one submission).

Conditions:
MEN1-related disorder. Also called: MEN1-related condition.

Allele frequency attached by ClinVar (database versions not stated): gnomAD 0.00005; TOPMed 0.00005; gnomAD exomes 0.00011.
gnomAD v4.1: 27 of 343,136 alleles (0.0079%); highest among the groups gnomAD compares: Non-Finnish European, 0.013%; no homozygotes.

Submission:

PreventionGenetics, part of Exact Sciences
Classification: Likely benign for MEN1-related condition. Last evaluated: 2022-08-24. Review status: no assertion criteria provided. Collection method: clinical testing. Allele origin: germline.
Comment: This variant is classified as likely benign based on ACMG/AMP sequence variant interpretation guidelines (Richards et al. 2015 PMID: 25741868, with internal and published modifications).

NM_001370259.2(MEN1):c.*407C>T

Gene: MEN1 (menin 1; minus strand). Cytogenetic location: 11q13.1.
Variant type: single nucleotide variant.
Coding change: c.*407C>T on transcript NM_001370259.2 (MANE Select); 407 bases downstream of the stop codon, C replaced by T.
Molecular consequence: 3 prime UTR variant. On other transcripts: non-coding transcript variant (4).
Genome position (GRCh38, 1-based): chr11:64,803,927, G>A on the plus strand (C>T on the coding strand, the complement: MEN1 is on the minus strand). VCF-style: chr11-64803927-G-A. GRCh37 (hg19) VCF-style: chr11-64571399-G-A.
Other names: c.*407C>T (NM_000244.4, NM_001370251.2, NM_001370260.2 and 20 more transcripts).
Identifiers: ClinVar variation 3051545 (VCV003051545.2), dbSNP rs911148642, ClinGen allele CA223911391.